The following is an entry in ClinVar:

ClinVar aggregate classification (germline): Uncertain significance. Review status: criteria provided, multiple submitters, no conflicts (2 of 4 stars). 2 submissions from 2 submitters: Uncertain significance (2). Last evaluated 2024-02-28.

Conditions:
Diamond-Blackfan anemia. Also called: Blackfan Diamond syndrome; Aregenerative anemia chronic congenital; Red cell aplasia, pure hereditary; Congenital hypoplastic anemia; Aase syndrome. Identifiers: Orphanet 124, MedGen C1260899, MeSH D029503, MONDO:0015253, HP:0004810.
Diamond-Blackfan anemia 6 (DBA6). Also called: RPL5-Related Diamond-Blackfan Anemia. Identifiers: Orphanet 124, MedGen C2931850, MONDO:0012937, OMIM 612561.

Allele frequency attached by ClinVar (database versions not stated): gnomAD exomes below 0.00001.
gnomAD v4.1: 4 of 1,613,118 alleles (0.00025%); highest among the groups gnomAD compares: Non-Finnish European, 0.00034%; no homozygotes.

Submissions (2):

Fulgent Genetics
Classification: Uncertain significance for Diamond-Blackfan anemia 6. Last evaluated: 2024-02-28. Review status: criteria provided, single submitter. Criteria: ACMG Guidelines, 2015. Collection method: clinical testing. Allele origin: germline.

Labcorp Genetics (formerly Invitae), Labcorp
Classification: Uncertain significance for Diamond-Blackfan anemia. Last evaluated: 2023-01-12. Review status: criteria provided, single submitter. Criteria: Invitae Variant Classification Sherloc (09022015). Collection method: clinical testing. Allele origin: germline.
Comment: This variant has not been reported in the literature in individuals affected with RPL5-related conditions. In summary, the available evidence is currently insufficient to determine the role of this variant in disease. Therefore, it has been classified as a Variant of Uncertain Significance. Advanced modeling of protein sequence and biophysical properties (such as structural, functional, and spatial information, amino acid conservation, physicochemical variation, residue mobility, and thermodynamic stability) performed at Invitae indicates that this missense variant is not expected to disrupt RPL5 protein function. This variant is present in population databases (no rsID available, gnomAD 0.0009%). This sequence change replaces glutamic acid, which is acidic and polar, with glycine, which is neutral and non-polar, at codon 189 of the RPL5 protein (p.Glu189Gly).

NM_000969.5(RPL5):c.566A>G (p.Glu189Gly)

Genes: DIPK1A (divergent protein kinase domain 1A; minus strand), RPL5 (ribosomal protein L5; plus strand). Cytogenetic location: 1p22.1.
Variant type: single nucleotide variant.
Coding change: c.566A>G on transcript NM_000969.5 (MANE Select); coding-DNA position 566, A replaced by G.
Protein change: p.Glu189Gly; replaces glutamic acid 189 with glycine.
Molecular consequence: missense variant. On other transcripts: non-coding transcript variant (1), intron variant (1).
Genome position (GRCh38, 1-based): chr1:92,837,494, A>G. VCF-style: chr1-92837494-A-G. GRCh37 (hg19) VCF-style: chr1-93303051-A-G.
Other names: c.475-4460T>C (NM_001252273.2); short protein forms E189G.
Identifiers: ClinVar variation 2203021 (VCV002203021.4), dbSNP rs1323030006, ClinGen allele CA341242844.